The following is an entry in ClinVar:

ClinVar aggregate classification (germline): Pathogenic. Review status: criteria provided, multiple submitters, no conflicts (2 of 4 stars). 3 submissions from 3 submitters: Pathogenic (3). Last evaluated 2026-08-14.

Conditions:
Retinitis pigmentosa 28 (RP28). Identifiers: Orphanet 791, MedGen C1419614, MONDO:0011630, OMIM 606068.

Allele frequency attached by ClinVar (database versions not stated): gnomAD exomes below 0.00001; TOPMed below 0.00001; gnomAD 0.00001.

Submissions (3):

Myriad Genetics, Inc.
Classification: Pathogenic for Retinitis pigmentosa 28. Last evaluated: 2026-08-14. Review status: criteria provided, single submitter. Criteria: Myriad Autosomal Dominant, Autosomal Recessive and X-Linked Classification Criteria (2023). Collection method: clinical testing. Allele origin: unknown.
Comment: NM_001201543.1(FAM161A):c.1034_1035insC(L346Sfs*2) is a frameshift variant classified as pathogenic in the context of retinitis pigmentosa, FAM161A-related. L346Sfs*2 has been observed in a case with relevant disease (PMID: 37734845). Relevant functional assessments of this variant are not available in the literature. L346Sfs*2 has not been observed in referenced population frequency databases. In summary, NM_001201543.1(FAM161A):c.1034_1035insC(L346Sfs*2) is a frameshift variant in a gene where loss of function is a known mechanism of disease, is predicted to disrupt protein function, and has been observed more frequently in cases with the relevant disease than in healthy populations. Please note: this variant was assessed in the context of healthy population screening.

Labcorp Genetics (formerly Invitae), Labcorp
Classification: Pathogenic. Last evaluated: 2023-09-06. Review status: criteria provided, single submitter. Criteria: Invitae Variant Classification Sherloc (09022015). Collection method: clinical testing. Allele origin: germline.
Comment: This variant is not present in population databases (gnomAD no frequency). For these reasons, this variant has been classified as Pathogenic. ClinVar contains an entry for this variant (Variation ID: 954738). This variant has not been reported in the literature in individuals affected with FAM161A-related conditions. This sequence change creates a premature translational stop signal (p.Leu346Serfs*2) in the FAM161A gene. It is expected to result in an absent or disrupted protein product. Loss-of-function variants in FAM161A are known to be pathogenic (PMID: 20705278, 20705279, 24651477).

Institute of Medical Genetics and Applied Genomics, University Hospital Tübingen
Classification: Pathogenic. Last evaluated: 2020-10-23. Review status: criteria provided, single submitter. Criteria: ACMG Guidelines, 2015. Collection method: clinical testing. Allele origin: germline. Inheritance: Unknown mechanism. Affected: yes.

Literature cited by the submitters: PubMed 37734845 (cited by Myriad Genetics, Inc.); PubMed 20705278 (cited by Labcorp Genetics (formerly Invitae), Labcorp); PubMed 20705279 (cited by Labcorp Genetics (formerly Invitae), Labcorp); PubMed 24651477 (cited by Labcorp Genetics (formerly Invitae), Labcorp).

NM_001201543.2(FAM161A):c.1034_1035insC (p.Leu346fs)

Gene: FAM161A (FAM161 centrosomal protein A; minus strand). Cytogenetic location: 2p15.
Variant type: Insertion.
Coding change: c.1034_1035insC on transcript NM_001201543.2 (MANE Select); coding-DNA positions 1034 to 1035, C inserted.
Protein change: p.Leu346fs; shifts the reading frame from leucine 346.
Molecular consequence: frameshift variant. On other transcripts: non-coding transcript variant (1).
Genome position: GRCh38 VCF-style: chr2-61839969-A-AG. GRCh37 (hg19) VCF-style: chr2-62067104-A-AG.
Other names: c.1034_1035insC, p.Leu346fs (NM_032180.3); short protein forms L346fs.
Identifiers: ClinVar variation 954738 (VCV000954738.11), dbSNP rs1413863796, ClinGen allele CA426415114.